The following is an entry in ClinVar:

NM_001173990.3(TMEM216):c.35-10_35-8dup

Gene: TMEM216 (transmembrane protein 216; plus strand). Cytogenetic location: 11q12.2.
Variant type: Duplication.
Coding change: c.35-10_35-8dup on transcript NM_001173990.3 (MANE Select); 10 bases into the intron before coding-DNA position 35 through 8 bases into the intron before coding-DNA position 35, 3 bases duplicated (CCT; older notation c.35-10_35-8dupCCT).
Molecular consequence: intron variant.
Genome position (GRCh38, 1-based): chr11:61,393,221-61,393,223, CCT duplicated; duplicating any 3 consecutive bases within chr11:61,393,219-61,393,223 gives the same sequence; the c. name uses the placement nearest the transcript's 3' end. VCF-style (leftmost placement, unchanged base first): chr11-61393218-G-GCTC. GRCh37 (hg19) VCF-style: chr11-61160690-G-GCTC.
Other names: c.-149-10_-149-8dup (NM_016499.6, NM_001330285.2); c.35-10_35-8dup (NM_001173991.3); c.35-10_35-8dupCCT (NM_001173991.2).
Identifiers: ClinVar variation 2732339 (VCV002732339.4), dbSNP rs1858717633, ClinGen allele CA938604373.

ClinVar aggregate classification (germline): Likely benign. Review status: criteria provided, multiple submitters, no conflicts (2 of 4 stars). 2 submissions from 2 submitters: Likely benign (2). Last evaluated 2025-09-27.

Conditions:
TMEM216-related disorder. Also called: TMEM216-related disorders; TMEM216-related condition.
Joubert syndrome. Also called: Familial aplasia of the vermis; JOUBERT-BOLTSHAUSER SYNDROME. Identifiers: Orphanet 475, MedGen C5979921, MONDO:0018772.

Submissions (2):

PreventionGenetics, part of Exact Sciences
Classification: Likely benign for TMEM216-related condition. Last evaluated: 2025-09-27. Review status: criteria provided, single submitter. Criteria: ACMG Guidelines, 2015. Collection method: clinical testing. Allele origin: germline.
Comment: This variant is classified as likely benign based on ACMG/AMP sequence variant interpretation guidelines (Richards et al. 2015 PMID: 25741868, with internal and published modifications).

Labcorp Genetics (formerly Invitae), Labcorp
Classification: Likely benign for Joubert syndrome. Last evaluated: 2025-08-21. Review status: criteria provided, single submitter. Criteria: Invitae Variant Classification Sherloc (09022015). Collection method: clinical testing. Allele origin: germline.